The following is an entry in ClinVar:

NM_001375380.1(EBF3):c.565A>C (p.Lys189Gln)

Gene: EBF3 (EBF transcription factor 3; minus strand). Cytogenetic location: 10q26.3.
Variant type: single nucleotide variant.
Coding change: c.565A>C on transcript NM_001375380.1 (MANE Select); coding-DNA position 565, A replaced by C.
Protein change: p.Lys189Gln; replaces lysine 189 with glutamine.
Molecular consequence: missense variant.
Genome position (GRCh38, 1-based): chr10:129,877,839, T>G on the plus strand (A>C on the coding strand, the complement: EBF3 is on the minus strand). VCF-style: chr10-129877839-T-G. GRCh37 (hg19) VCF-style: chr10-131676103-T-G.
Other names: c.565A>C, p.Lys189Gln (NM_001005463.3, NM_001375379.1, NM_001375389.1 and 3 more transcripts); short protein forms K189Q.
Identifiers: ClinVar variation 3897094 (VCV003897094.1).

ClinVar aggregate classification (germline): Uncertain significance (1 of 4 stars; one submission).

Submission:

GeneDx
Classification: Uncertain significance. Last evaluated: 2024-11-03. Review status: criteria provided, single submitter. Criteria: GeneDx Variant Classification Process June 2021. Collection method: clinical testing. Allele origin: germline. Affected: yes.
Comment: Not observed at significant frequency in large population cohorts (gnomAD); In silico analysis supports that this missense variant has a deleterious effect on protein structure/function; Has not been previously published as pathogenic or benign to our knowledge